The following is an entry in ClinVar:

ClinVar aggregate classification (germline): Likely benign (1 of 4 stars; one submission).

Conditions:
Leigh syndrome (NULS). Also called: Leigh's necrotizing encephalopathy; Leigh's disease; Leigh Syndrome (mtDNA deletion); Leigh Disease; Subacute necrotizing encephalopathy; Necrotizing encephalopathy infantile subacute of Leigh. Identifiers: Orphanet 506, MedGen C2931891, MONDO:0009723, OMIM 256000.

Submission:

Wong Mito Lab, Molecular and Human Genetics, Baylor College of Medicine
Classification: Likely benign for Leigh syndrome. Last evaluated: 2019-10-17. Review status: criteria provided, single submitter. Criteria: Modified ACMG Guidelines (Unpublished). Collection method: clinical testing. Allele origin: germline.
Comment: The NC_012920.1:m.3533C>T (YP_003024026.1:p.Thr76Ile) variant in MTND1 gene is interpretated to be a Likely Benign variant based on the modified ACMG guidelines (unpublished). This variant meets the following evidence codes: BS1, BP4

NC_012920.1(MT-ND1):m.3533C>T

Gene: MT-ND1 (mitochondrially encoded NADH dehydrogenase 1; plus strand).
Variant type: single nucleotide variant.
Genome position: chrM-3533-C-T.
Identifiers: ClinVar variation 692368 (VCV000692368.1), dbSNP rs377091327, ClinGen allele CA337096583.
Genomic context (GRCh38, chrMT:3,533, plus strand): 5'-TCACCAAAGAGCCCCTAAAACCCGCCACATCTACCATCACCCTCTACATCACCGCCCCGA[C>T]CTTAGCTCTCACCATCGCTCTTCTACTATGAACCCCCCTCCCCATACCCAACCCCCTGGT-3'